The following is an entry in ClinVar:

ClinVar aggregate classification (germline): Pathogenic/Likely pathogenic. Review status: criteria provided, multiple submitters, no conflicts (2 of 4 stars). 2 submissions from 2 submitters: Pathogenic (1); Likely pathogenic (1). Last evaluated 2024-02-28.

Conditions:
Renal tubular acidosis with progressive nerve deafness. Also called: renal tubular acidosis, distal, 2, with progressive sensorineural hearing loss; RENAL TUBULAR ACIDOSIS, AUTOSOMAL RECESSIVE, WITH PROGRESSIVE NERVE DEAFNESS; RTA WITH PROGRESSIVE NERVE DEAFNESS; Distal Renal Tubular Acidosis with Progressive Sensorineural Deafness. Identifiers: MedGen C0403554, MONDO:0009968, OMIM 267300.

Submissions (2):

Fulgent Genetics
Classification: Likely pathogenic for Renal tubular acidosis with progressive nerve deafness. Last evaluated: 2024-02-28. Review status: criteria provided, single submitter. Criteria: ACMG Guidelines, 2015. Collection method: clinical testing. Allele origin: germline.

Labcorp Genetics (formerly Invitae), Labcorp
Classification: Pathogenic. Last evaluated: 2022-09-13. Review status: criteria provided, single submitter. Criteria: Invitae Variant Classification Sherloc (09022015). Collection method: clinical testing. Allele origin: germline.
Comment: This sequence change creates a premature translational stop signal (p.Tyr462*) in the ATP6V1B1 gene. While this is not anticipated to result in nonsense mediated decay, it is expected to disrupt the last 52 amino acid(s) of the ATP6V1B1 protein. This variant is not present in population databases (gnomAD no frequency). This variant has not been reported in the literature in individuals affected with ATP6V1B1-related conditions. This variant disrupts a region of the ATP6V1B1 protein in which other variant(s) (p.Phe468Cysfs*20) have been determined to be pathogenic (PMID: 8651253, 18368028, 25164082). This suggests that this is a clinically significant region of the protein, and that variants that disrupt it are likely to be disease-causing. For these reasons, this variant has been classified as Pathogenic.

Literature cited by the submitters: PubMed 8651253 (cited by Labcorp Genetics (formerly Invitae), Labcorp); PubMed 18368028 (cited by Labcorp Genetics (formerly Invitae), Labcorp); PubMed 25164082 (cited by Labcorp Genetics (formerly Invitae), Labcorp).

NM_001692.4(ATP6V1B1):c.1386C>A (p.Tyr462Ter)

Gene: ATP6V1B1 (ATPase H+ transporting V1 subunit B1; plus strand). Cytogenetic location: 2p13.3.
Variant type: single nucleotide variant.
Coding change: c.1386C>A on transcript NM_001692.4 (MANE Select); coding-DNA position 1386, C replaced by A.
Protein change: p.Tyr462Ter; replaces tyrosine 462 with a stop codon.
Molecular consequence: nonsense.
Genome position (GRCh38, 1-based): chr2:70,964,965, C>A. VCF-style: chr2-70964965-C-A. GRCh37 (hg19) VCF-style: chr2-71192095-C-A.
Other names: short protein forms Y462*.
Identifiers: ClinVar variation 2044793 (VCV002044793.2), dbSNP rs1572924733, ClinGen allele CA347189265.